The following is an entry in ClinVar:

NM_004924.6(ACTN4):c.2602C>T (p.Arg868Trp)

Gene: ACTN4 (actinin alpha 4; plus strand). Cytogenetic location: 19q13.2.
Variant type: single nucleotide variant.
Coding change: c.2602C>T on transcript NM_004924.6 (MANE Select); coding-DNA position 2602, C replaced by T.
Protein change: p.Arg868Trp; replaces arginine 868 with tryptophan.
Molecular consequence: missense variant.
Genome position (GRCh38, 1-based): chr19:38,729,298, C>T. VCF-style: chr19-38729298-C-T. GRCh37 (hg19) VCF-style: chr19-39219938-C-T.
Other names: c.2587C>T, p.Arg863Trp (NM_001322033.2, NM_001440298.1); c.2602C>T, p.Arg868Trp (NM_001411143.1); c.2668C>T, p.Arg890Trp (NM_001440296.1, NM_001440300.1); c.2350C>T, p.Arg784Trp (NM_001440299.1); short protein forms R784W, R863W, R868W, R890W.
Identifiers: ClinVar variation 4851737 (VCV004851737.1).

ClinVar aggregate classification (germline): Uncertain significance (1 of 4 stars; one submission).

gnomAD v4.1: 12 of 1,612,694 alleles (0.00074%); highest among the groups gnomAD compares: South Asian, 0.0033%; no homozygotes.

Submission:

Greenwood Genetic Center Diagnostic Laboratories, Greenwood Genetic Center
Classification: Uncertain significance. Last evaluated: 2025-01-07. Review status: criteria provided, single submitter. Criteria: ACMG Guidelines, 2015. Collection method: clinical testing. Allele origin: germline.
Comment: PM2, PP2, PP3